The following is an entry in ClinVar:

ClinVar aggregate classification (germline): Benign (1 of 4 stars; one submission).

Allele frequency attached by ClinVar (database versions not stated): 1000 Genomes Project 0.10164; 1000 Genomes Project 30x 0.10228; TOPMed 0.16143; gnomAD 0.16393 and 0.16609.
gnomAD v4.1: 24,620 of 149,444 alleles (16%); highest among the groups gnomAD compares: Middle Eastern, 34%; 2,563 homozygotes.

Submission:

GeneDx
Classification: Benign. Last evaluated: 2018-06-16. Review status: criteria provided, single submitter. Criteria: GeneDx Variant Classification (06012015). Collection method: clinical testing. Allele origin: germline. Affected: yes.
Comment: This variant is considered likely benign or benign based on one or more of the following criteria: it is a conservative change, it occurs at a poorly conserved position in the protein, it is predicted to be benign by multiple in silico algorithms, and/or has population frequency not consistent with disease.

NM_001194998.2(CEP152):c.1321+252A>G

Gene: CEP152 (centrosomal protein 152; minus strand). Cytogenetic location: 15q21.1.
Variant type: single nucleotide variant.
Coding change: c.1321+252A>G on transcript NM_001194998.2 (MANE Select); 252 bases into the intron after coding-DNA position 1321, A replaced by G.
Molecular consequence: intron variant.
Genome position (GRCh38, 1-based): chr15:48,783,721, T>C on the plus strand (A>G on the coding strand, the complement: CEP152 is on the minus strand). VCF-style: chr15-48783721-T-C. GRCh37 (hg19) VCF-style: chr15-49075918-T-C.
Other names: c.1321+252A>G (NM_014985.4).
Identifiers: ClinVar variation 668868 (VCV000668868.1), dbSNP rs11631496, ClinGen allele CA16505562.